The following is an entry in ClinVar:

ClinVar aggregate classification (germline): Likely benign. Review status: criteria provided, single submitter (1 of 4 stars). 2 submissions from 2 submitters: Likely benign (1). 1 of the submissions does not count toward it. Last evaluated 2023-09-17.

Conditions:
TYMP-related disorder. Also called: TYMP-related condition.

Allele frequency attached by ClinVar (database versions not stated): gnomAD exomes below 0.00001; TOPMed below 0.00001.
gnomAD v4.1: 3 of 1,613,096 alleles (0.00019%); highest among the groups gnomAD compares: African/African-American, 0.0027%; no homozygotes.

Submissions (2):

Labcorp Genetics (formerly Invitae), Labcorp
Classification: Likely benign. Last evaluated: 2023-09-17. Review status: criteria provided, single submitter. Criteria: Invitae Variant Classification Sherloc (09022015). Collection method: clinical testing. Allele origin: germline.

PreventionGenetics, part of Exact Sciences
Classification: Likely benign for TYMP-related condition. Last evaluated: 2020-09-02. Review status: no assertion criteria provided. Collection method: clinical testing. Allele origin: germline. Not counted in ClinVar's aggregate classification.
Comment: This variant is classified as likely benign based on ACMG/AMP sequence variant interpretation guidelines (Richards et al. 2015 PMID: 25741868, with internal and published modifications).

NM_001953.5(TYMP):c.171C>T (p.Phe57=)

Gene: TYMP (thymidine phosphorylase; minus strand). Cytogenetic location: 22q13.33.
Variant type: single nucleotide variant.
Coding change: c.171C>T on transcript NM_001953.5 (MANE Select); coding-DNA position 171, C replaced by T.
Protein change: p.Phe57=; no amino-acid change (phenylalanine 57 retained).
Molecular consequence: synonymous variant.
Genome position (GRCh38, 1-based): chr22:50,529,539, G>A on the plus strand (C>T on the coding strand, the complement: TYMP is on the minus strand). VCF-style: chr22-50529539-G-A. GRCh37 (hg19) VCF-style: chr22-50967968-G-A.
Other names: c.171C>T, p.Phe57= (NM_001113755.3, NM_001113756.3, NM_001257988.1 and 1 more transcripts); c.171C>T (NM_001953.4).
Identifiers: ClinVar variation 1566947 (VCV001566947.10), dbSNP rs2069515426, ClinGen allele CA515387815.